The following is an entry in ClinVar:

ClinVar aggregate classification (germline): Uncertain significance (1 of 4 stars; one submission).

Conditions:
Catecholaminergic polymorphic ventricular tachycardia (CVPT). Also called: Catecholamine-induced polymorphic ventricular tachycardia. Identifiers: Orphanet 3286, MedGen C5574922, MONDO:0017990.

Submission:

All of Us Research Program, National Institutes of Health
Classification: Uncertain significance for Catecholaminergic polymorphic ventricular tachycardia. Last evaluated: 2024-07-20. Review status: criteria provided, single submitter. Criteria: ACMG Guidelines, 2015. Collection method: clinical testing. Allele origin: germline. Inheritance: Autosomal dominant inheritance. Observed: 1 variant allele, 1 heterozygote.
Comment: This missense variant replaces glycine with arginine at codon 3517 of the RYR2 protein. Computational prediction suggests that this variant may have deleterious impact on protein structure and function (internally defined REVEL score threshold >= 0.7, PMID: 27666373). To our knowledge, functional studies have not been reported for this variant. This variant has not been reported in individuals affected with RYR2-related disorders in the literature. This variant has not been identified in the general population by the Genome Aggregation Database (gnomAD). The available evidence is insufficient to determine the role of this variant in disease conclusively. Therefore, this variant is classified as a Variant of Uncertain Significance.

This study involves interpretation of variants in research participants for the purpose of population health screening. Participant phenotype was not available at the time of variant classification. Additional details can be found in publication PMID: 35346344, PMCID: PMC8962531

NM_001035.3(RYR2):c.10549G>C (p.Gly3517Arg)

Gene: RYR2 (ryanodine receptor 2; plus strand). Cytogenetic location: 1q43.
Variant type: single nucleotide variant.
Coding change: c.10549G>C on transcript NM_001035.3 (MANE Select); coding-DNA position 10549, G replaced by C.
Protein change: p.Gly3517Arg; replaces glycine 3517 with arginine.
Molecular consequence: missense variant.
Genome position (GRCh38, 1-based): chr1:237,718,516, G>C. VCF-style: chr1-237718516-G-C. GRCh37 (hg19) VCF-style: chr1-237881816-G-C.
Other names: short protein forms G3517R.
Identifiers: ClinVar variation 3385831 (VCV003385831.1).